The following is an entry in ClinVar:

ClinVar aggregate classification (germline): Uncertain significance (1 of 4 stars; one submission).

Conditions:
Catecholaminergic polymorphic ventricular tachycardia (CVPT). Also called: Catecholamine-induced polymorphic ventricular tachycardia. Identifiers: Orphanet 3286, MedGen C5574922, MONDO:0017990.

Allele frequency attached by ClinVar (database versions not stated): gnomAD exomes below 0.00001.
gnomAD v4.1: 2 of 1,609,046 alleles (0.00012%); highest among the groups gnomAD compares: Non-Finnish European, 0.00017%; no homozygotes.

Submission:

All of Us Research Program, National Institutes of Health
Classification: Uncertain significance for Catecholaminergic polymorphic ventricular tachycardia. Last evaluated: 2023-07-09. Review status: criteria provided, single submitter. Criteria: ACMG Guidelines, 2015. Collection method: clinical testing. Allele origin: germline. Inheritance: Autosomal dominant inheritance. Observed: 1 variant allele, 1 heterozygote.
Comment: This study involves interpretation of variants in research participants for the purpose of population health screening. Participant phenotype was not available at the time of variant classification. Additional details can be found in publication PMID: 35346344, PMCID: PMC8962531

NM_001035.3(RYR2):c.2846A>G (p.His949Arg)

Gene: RYR2 (ryanodine receptor 2; plus strand). Cytogenetic location: 1q43.
Variant type: single nucleotide variant.
Coding change: c.2846A>G on transcript NM_001035.3 (MANE Select); coding-DNA position 2846, A replaced by G.
Protein change: p.His949Arg; replaces histidine 949 with arginine.
Molecular consequence: missense variant.
Genome position (GRCh38, 1-based): chr1:237,530,450, A>G. VCF-style: chr1-237530450-A-G. GRCh37 (hg19) VCF-style: chr1-237693750-A-G.
Other names: short protein forms H949R.
Identifiers: ClinVar variation 3071723 (VCV003071723.1), dbSNP rs1488874531, ClinGen allele CA345387959.